The following is an entry in ClinVar:

NM_001735.3(C5):c.1313A>G (p.Asp438Gly)

Gene: C5 (complement C5; minus strand). Cytogenetic location: 9q33.2.
Variant type: single nucleotide variant.
Coding change: c.1313A>G on transcript NM_001735.3 (MANE Select); coding-DNA position 1313, A replaced by G.
Protein change: p.Asp438Gly; replaces aspartic acid 438 with glycine.
Molecular consequence: missense variant.
Genome position (GRCh38, 1-based): chr9:121,020,169, T>C on the plus strand (A>G on the coding strand, the complement: C5 is on the minus strand). VCF-style: chr9-121020169-T-C. GRCh37 (hg19) VCF-style: chr9-123782447-T-C.
Other names: c.1331A>G, p.Asp444Gly (NM_001317163.2); c.1313A>G, p.Asp438Gly (NM_001317164.2); short protein forms D438G, D444G.
Identifiers: ClinVar variation 2112646 (VCV002112646.4), dbSNP rs1304080701, ClinGen allele CA374751871.

ClinVar aggregate classification (germline): Uncertain significance (1 of 4 stars; one submission).

Allele frequency attached by ClinVar (database versions not stated): gnomAD 0.00001; gnomAD exomes 0.00001.

Submission:

Labcorp Genetics (formerly Invitae), Labcorp
Classification: Uncertain significance. Last evaluated: 2025-07-07. Review status: criteria provided, single submitter. Criteria: Invitae Variant Classification Sherloc (09022015). Collection method: clinical testing. Allele origin: germline.
Comment: This sequence change replaces aspartic acid, which is acidic and polar, with glycine, which is neutral and non-polar, at codon 438 of the C5 protein (p.Asp438Gly). This variant is present in population databases (no rsID available, gnomAD 0.02%). This variant has not been reported in the literature in individuals affected with C5-related conditions. ClinVar contains an entry for this variant (Variation ID: 2112646). Invitae Evidence Modeling of protein sequence and biophysical properties (such as structural, functional, and spatial information, amino acid conservation, physicochemical variation, residue mobility, and thermodynamic stability) indicates that this missense variant is not expected to disrupt C5 protein function with a negative predictive value of 80%. In summary, the available evidence is currently insufficient to determine the role of this variant in disease. Therefore, it has been classified as a Variant of Uncertain Significance.